The following is an entry in ClinVar:

NM_000350.3(ABCA4):c.553C>G (p.Gln185Glu)

Gene: ABCA4 (ATP binding cassette subfamily A member 4; minus strand). Cytogenetic location: 1p22.1.
Variant type: single nucleotide variant.
Coding change: c.553C>G on transcript NM_000350.3 (MANE Select); coding-DNA position 553, C replaced by G.
Protein change: p.Gln185Glu; replaces glutamine 185 with glutamic acid.
Molecular consequence: missense variant.
Genome position (GRCh38, 1-based): chr1:94,103,032, G>C on the plus strand (C>G on the coding strand, the complement: ABCA4 is on the minus strand). VCF-style: chr1-94103032-G-C. GRCh37 (hg19) VCF-style: chr1-94568588-G-C.
Other names: c.553C>G, p.Gln185Glu (NM_001425324.1); short protein forms Q185E.
Identifiers: ClinVar variation 2093939 (VCV002093939.4), dbSNP rs1662326723, ClinGen allele CA341290669.

ClinVar aggregate classification (germline): Uncertain significance (1 of 4 stars; one submission).

Allele frequency attached by ClinVar (database versions not stated): gnomAD exomes below 0.00001.
gnomAD v4.1: 2 of 1,614,218 alleles (0.00012%); highest among the groups gnomAD compares: African/African-American, 0.0027%; no homozygotes.

Submission:

Labcorp Genetics (formerly Invitae), Labcorp
Classification: Uncertain significance. Last evaluated: 2022-02-06. Review status: criteria provided, single submitter. Criteria: Invitae Variant Classification Sherloc (09022015). Collection method: clinical testing. Allele origin: germline.
Comment: This variant is not present in population databases (gnomAD no frequency). In summary, the available evidence is currently insufficient to determine the role of this variant in disease. Therefore, it has been classified as a Variant of Uncertain Significance. Advanced modeling of protein sequence and biophysical properties (such as structural, functional, and spatial information, amino acid conservation, physicochemical variation, residue mobility, and thermodynamic stability) performed at Invitae indicates that this missense variant is not expected to disrupt ABCA4 protein function. This variant has not been reported in the literature in individuals affected with ABCA4-related conditions. This sequence change replaces glutamine, which is neutral and polar, with glutamic acid, which is acidic and polar, at codon 185 of the ABCA4 protein (p.Gln185Glu).